The following is an entry in ClinVar:

ClinVar aggregate classification (germline): Uncertain significance (1 of 4 stars; one submission).

Conditions:
AARS2-related disorder. Also called: AARS2-related condition; AARS2-related disorders. Identifiers: MedGen CN381518, MONDO:1060240.

Submission:

PreventionGenetics, part of Exact Sciences
Classification: Uncertain significance for AARS2-related condition. Last evaluated: 2026-02-21. Review status: criteria provided, single submitter. Criteria: ACMG Guidelines, 2015. Collection method: clinical testing. Allele origin: germline.
Comment: The AARS2 c.304G>A variant is predicted to result in the amino acid substitution p.Val102Met. To our knowledge, this variant has not been reported in the literature. This variant is reported in 0.00088% of alleles in individuals of European (Non-Finnish) descent in gnomAD. At this time, the clinical significance of this variant is uncertain due to the absence of conclusive functional and genetic evidence.

NM_020745.4(AARS2):c.304G>A (p.Val102Met)

Gene: AARS2 (alanyl-tRNA synthetase 2, mitochondrial; minus strand). Cytogenetic location: 6p21.1.
Variant type: single nucleotide variant.
Coding change: c.304G>A on transcript NM_020745.4 (MANE Select); coding-DNA position 304, G replaced by A.
Protein change: p.Val102Met; replaces valine 102 with methionine.
Molecular consequence: missense variant.
Genome position (GRCh38, 1-based): chr6:44,312,203, C>T on the plus strand (G>A on the coding strand, the complement: AARS2 is on the minus strand). VCF-style: chr6-44312203-C-T. GRCh37 (hg19) VCF-style: chr6-44279940-C-T.
Other names: short protein forms V102M.
Identifiers: ClinVar variation 4985781 (VCV004985781.1).
Genomic context (GRCh38, chr6:44,312,203, plus strand): 5'-CCACATCTTCCAGGTCGTTATGGTGTCCTCCAGCTCTCACACATTTCTGGCTGTTGGCCA[C>T]ACGTCGGAAGCCTGCCATCTCGCTTCGTGGATCCACGGTGCCCAGAAAGATTGGCTTGAA-3'
Protein context (NP_065796.2, residues 92-112): PRSEMAGFRR[Val102Met]ANSQKCVRAG